The following is an entry in ClinVar:

NM_004974.4(KCNA2):c.296G>A (p.Arg99Lys)

Gene: KCNA2 (potassium voltage-gated channel subfamily A member 2; minus strand). Cytogenetic location: 1p13.3.
Variant type: single nucleotide variant.
Coding change: c.296G>A on transcript NM_004974.4 (MANE Select); coding-DNA position 296, G replaced by A.
Protein change: p.Arg99Lys; replaces arginine 99 with lysine.
Molecular consequence: missense variant.
Genome position (GRCh38, 1-based): chr1:110,604,487, C>T on the plus strand (G>A on the coding strand, the complement: KCNA2 is on the minus strand). VCF-style: chr1-110604487-C-T. GRCh37 (hg19) VCF-style: chr1-111147109-C-T.
Other names: c.296G>A, p.Arg99Lys (NM_001204269.2); short protein forms R99K.
Identifiers: ClinVar variation 1798265 (VCV001798265.3), dbSNP rs2524622393, ClinGen allele CA341606011.

ClinVar aggregate classification (germline): Uncertain significance. Review status: criteria provided, multiple submitters, no conflicts (2 of 4 stars). 2 submissions from 2 submitters: Uncertain significance (2). Last evaluated 2025-07-21.

Conditions:
Developmental and epileptic encephalopathy, 32 (DEE32). Also called: Epileptic encephalopathy, early infantile, 32. Identifiers: Orphanet 442835, MedGen C4225350, MONDO:0014607, OMIM 616366.
Inborn genetic diseases. Identifiers: MedGen C0950123, MeSH D030342.

gnomAD v4.1: 1 of 1,614,230 alleles (0.000062%); no homozygotes.

Submissions (2):

Labcorp Genetics (formerly Invitae), Labcorp
Classification: Uncertain significance for Developmental and epileptic encephalopathy, 32. Last evaluated: 2025-07-21. Review status: criteria provided, single submitter. Criteria: Invitae Variant Classification Sherloc (09022015). Collection method: clinical testing. Allele origin: germline.
Comment: This sequence change replaces arginine, which is basic and polar, with lysine, which is basic and polar, at codon 99 of the KCNA2 protein (p.Arg99Lys). This variant is not present in population databases (gnomAD no frequency). This variant has not been reported in the literature in individuals affected with KCNA2-related conditions. ClinVar contains an entry for this variant (Variation ID: 1798265). Invitae Evidence Modeling of protein sequence and biophysical properties (such as structural, functional, and spatial information, amino acid conservation, physicochemical variation, residue mobility, and thermodynamic stability) indicates that this missense variant is not expected to disrupt KCNA2 protein function with a negative predictive value of 95%. In summary, the available evidence is currently insufficient to determine the role of this variant in disease. Therefore, it has been classified as a Variant of Uncertain Significance.

Ambry Genetics
Classification: Uncertain significance for Inborn genetic diseases. Last evaluated: 2019-02-20. Review status: criteria provided, single submitter. Criteria: Ambry Variant Classification Scheme 2023. Collection method: clinical testing. Allele origin: germline.
Comment: The p.R99K variant (also known as c.296G>A), located in coding exon 1 of the KCNA2 gene, results from a G to A substitution at nucleotide position 296. The arginine at codon 99 is replaced by lysine, an amino acid with highly similar properties. This amino acid position is highly conserved in available vertebrate species. In addition, the in silico prediction for this alteration is inconclusive. Since supporting evidence is limited at this time, the clinical significance of this alteration remains unclear.